The following is an entry in ClinVar:

NM_001458.5(FLNC):c.3586G>A (p.Ala1196Thr)

Gene: FLNC (filamin C; plus strand). Cytogenetic location: 7q32.1.
Variant type: single nucleotide variant.
Coding change: c.3586G>A on transcript NM_001458.5 (MANE Select); coding-DNA position 3586, G replaced by A.
Protein change: p.Ala1196Thr; replaces alanine 1196 with threonine.
Molecular consequence: missense variant.
Genome position (GRCh38, 1-based): chr7:128,845,051, G>A. VCF-style: chr7-128845051-G-A. GRCh37 (hg19) VCF-style: chr7-128485105-G-A.
Other names: c.3586G>A, p.Ala1196Thr (NM_001127487.2); short protein forms A1196T.
Identifiers: ClinVar variation 5021944 (VCV005021944.1).

ClinVar aggregate classification (germline): Uncertain significance (1 of 4 stars; one submission).

Conditions:
Cardiovascular phenotype. Identifiers: MedGen CN230736.

Submission:

Ambry Genetics
Classification: Uncertain significance for Cardiovascular phenotype. Last evaluated: 2026-07-07. Review status: criteria provided, single submitter. Criteria: Ambry Variant Classification Scheme 2023. Collection method: clinical testing. Allele origin: germline.
Comment: The p.A1196T variant (also known as c.3586G>A), located in coding exon 21 of the FLNC gene, results from a G to A substitution at nucleotide position 3586. The alanine at codon 1196 is replaced by threonine, an amino acid with similar properties. This amino acid position is conserved. In addition, this alteration is predicted to be tolerated by in silico analysis. Based on the available evidence, the clinical significance of this variant remains unclear.